The following is an entry in ClinVar:

NM_000359.3(TGM1):c.967C>G (p.Arg323Gly)

Gene: TGM1 (transglutaminase 1; minus strand). Cytogenetic location: 14q12.
Variant type: single nucleotide variant.
Coding change: c.967C>G on transcript NM_000359.3 (MANE Select); coding-DNA position 967, C replaced by G.
Protein change: p.Arg323Gly; replaces arginine 323 with glycine.
Molecular consequence: missense variant.
Genome position (GRCh38, 1-based): chr14:24,259,721, G>C on the plus strand (C>G on the coding strand, the complement: TGM1 is on the minus strand). VCF-style: chr14-24259721-G-C. GRCh37 (hg19) VCF-style: chr14-24728927-G-C.
Other names: short protein forms R323G.
Identifiers: ClinVar variation 1929449 (VCV001929449.5), dbSNP rs771820315, ClinGen allele CA389267793.
Genomic context (GRCh38, chr14:24,259,721, plus strand): 5'-CAGGCACACACACAGTAGGACTCAGAGATGTGAGGGTGCTCACCATGGCAGAGATGACCC[G>C]GGAGACATTGACTGGGTCTCCACGGCCTCCATATGGCATCCCCCGCCGGTCCAGGATGTA-3'
Protein context (NP_000350.1, residues 313-333): GGRGDPVNVS[Arg323Gly]VISAMVNSLD

ClinVar aggregate classification (germline): Pathogenic (1 of 4 stars; one submission).

gnomAD v4.1: 3 of 1,611,226 alleles (0.00019%); highest among the groups gnomAD compares: Non-Finnish European, 0.00025%; no homozygotes.

Submission:

Labcorp Genetics (formerly Invitae), Labcorp
Classification: Pathogenic. Last evaluated: 2022-02-25. Review status: criteria provided, single submitter. Criteria: Invitae Variant Classification Sherloc (09022015). Collection method: clinical testing. Allele origin: germline.
Comment: For these reasons, this variant has been classified as Pathogenic. This variant disrupts the p.Arg323 amino acid residue in TGM1. Other variant(s) that disrupt this residue have been determined to be pathogenic (PMID: 7824952, 9545389, 19241467, 23278109). This suggests that this residue is clinically significant, and that variants that disrupt this residue are likely to be disease-causing. Advanced modeling of protein sequence and biophysical properties (such as structural, functional, and spatial information, amino acid conservation, physicochemical variation, residue mobility, and thermodynamic stability) performed at Invitae indicates that this missense variant is expected to disrupt TGM1 protein function. This missense change has been observed in individual(s) with TGM1-related conditions (PMID: 32573669). In at least one individual the data is consistent with being in trans (on the opposite chromosome) from a pathogenic variant. This variant is not present in population databases (gnomAD no frequency). This sequence change replaces arginine, which is basic and polar, with glycine, which is neutral and non-polar, at codon 323 of the TGM1 protein (p.Arg323Gly).

Literature cited by the submitters: PubMed 7824952; PubMed 9545389; PubMed 19241467; PubMed 23278109; PubMed 32573669.